The following is an entry in ClinVar:

ClinVar aggregate classification (germline): Uncertain significance (1 of 4 stars; one submission).

Submission:

Labcorp Genetics (formerly Invitae), Labcorp
Classification: Uncertain significance. Last evaluated: 2023-09-27. Review status: criteria provided, single submitter. Criteria: Invitae Variant Classification Sherloc (09022015). Collection method: clinical testing. Allele origin: germline.
Comment: In summary, the available evidence is currently insufficient to determine the role of this variant in disease. Therefore, it has been classified as a Variant of Uncertain Significance. Experimental studies and prediction algorithms are not available or were not evaluated, and the functional significance of this variant is currently unknown. This variant has not been reported in the literature in individuals affected with FOXI3-related conditions. The frequency data for this variant in the population databases is considered unreliable, as metrics indicate insufficient coverage at this position in the gnomAD database. This variant, c.243_251del, results in the deletion of 3 amino acid(s) of the FOXI3 protein (p.Pro83_Pro85del), but otherwise preserves the integrity of the reading frame.

NM_001135649.3(FOXI3):c.237GCC[2] (p.Pro83_Pro85del)

Gene: FOXI3 (forkhead box I3; minus strand). Cytogenetic location: 2p11.2.
Variant type: Microsatellite.
Coding change: c.237GCC[2] on transcript NM_001135649.3 (MANE Select); two copies in a row of the 3-base unit GCC starting at c.237; the reference has five copies in a row; three copies, 9 bases deleted.
Protein change: p.Pro83_Pro85del.
Molecular consequence: inframe deletion.
Genome position (GRCh38, 1-based): chr2:88,452,285-88,452,293, GGCGGCGGC deleted on the plus strand (GCCGCCGCC on the coding strand, the reverse complement: FOXI3 is on the minus strand); deleting any 9 consecutive bases within chr2:88,452,285-88,452,301 gives the same sequence; the position shown is the placement nearest the transcript's 3' end. VCF-style (leftmost placement, unchanged base first): chr2-88452284-GGGCGGCGGC-G. GRCh37 (hg19) VCF-style: chr2-88751802-GGGCGGCGGC-G.
Identifiers: ClinVar variation 1934047 (VCV001934047.5), dbSNP rs1256638071, ClinGen allele CA1033355859.